The following is an entry in ClinVar:

NM_001378414.1(HDAC4):c.38G>A (p.Arg13Gln)

Gene: HDAC4 (histone deacetylase 4; minus strand). Cytogenetic location: 2q37.3.
Variant type: single nucleotide variant.
Coding change: c.38G>A on transcript NM_001378414.1 (MANE Select); coding-DNA position 38, G replaced by A.
Protein change: p.Arg13Gln; replaces arginine 13 with glutamine.
Molecular consequence: missense variant.
Genome position (GRCh38, 1-based): chr2:239,236,649, C>T on the plus strand (G>A on the coding strand, the complement: HDAC4 is on the minus strand). VCF-style: chr2-239236649-C-T. GRCh37 (hg19) VCF-style: chr2-240158345-C-T.
Other names: c.38G>A, p.Arg13Gln (NM_001378415.1, NM_001378416.1, NM_001378417.1 and 1 more transcripts); short protein forms R13Q.
Identifiers: ClinVar variation 2225494 (VCV002225494.5), dbSNP rs61754650, ClinGen allele CA2200401.

ClinVar aggregate classification (germline): Uncertain significance. Review status: criteria provided, multiple submitters, no conflicts (2 of 4 stars). 3 submissions from 3 submitters: Uncertain significance (2). 1 of the submissions does not count toward it. Last evaluated 2025-08-11.

Conditions:
Inborn genetic diseases. Identifiers: MedGen C0950123, MeSH D030342.
HDAC4-related disorder. Also called: HDAC4-related condition.

Allele frequency attached by ClinVar (database versions not stated): ExAC 0.00014; 1000 Genomes Project 30x 0.00016; ESP Exome Variant Server 0.00018; 1000 Genomes Project 0.00020; gnomAD 0.00025; TOPMed 0.00032.
gnomAD v4.1: 155 of 1,551,672 alleles (0.01%); highest among the groups gnomAD compares: African/African-American, 0.067%; no homozygotes.

Submissions (3):

Labcorp Genetics (formerly Invitae), Labcorp
Classification: Uncertain significance. Last evaluated: 2025-08-11. Review status: criteria provided, single submitter. Criteria: Invitae Variant Classification Sherloc (09022015). Collection method: clinical testing. Allele origin: germline.
Comment: This sequence change replaces arginine, which is basic and polar, with glutamine, which is neutral and polar, at codon 13 of the HDAC4 protein (p.Arg13Gln). This variant is present in population databases (rs61754650, gnomAD 0.05%), and has an allele count higher than expected for a pathogenic variant. This variant has not been reported in the literature in individuals affected with HDAC4-related conditions. ClinVar contains an entry for this variant (Variation ID: 2225494). An algorithm developed to predict the effect of missense changes on protein structure and function (PolyPhen-2) suggests that this variant is likely to be tolerated. In summary, the available evidence is currently insufficient to determine the role of this variant in disease. Therefore, it has been classified as a Variant of Uncertain Significance.

Ambry Genetics
Classification: Uncertain significance for Inborn genetic diseases. Last evaluated: 2021-06-22. Review status: criteria provided, single submitter. Criteria: Ambry Variant Classification Scheme 2023. Collection method: clinical testing. Allele origin: germline.

PreventionGenetics, part of Exact Sciences
Classification: Likely benign for HDAC4-related condition. Last evaluated: 2023-10-23. Review status: no assertion criteria provided. Collection method: clinical testing. Allele origin: germline. Not counted in ClinVar's aggregate classification.
Comment: This variant is classified as likely benign based on ACMG/AMP sequence variant interpretation guidelines (Richards et al. 2015 PMID: 25741868, with internal and published modifications).